The following is an entry in ClinVar:

ClinVar aggregate classification (germline): Pathogenic (1 of 4 stars; one submission).

Conditions:
Multiple endocrine neoplasia, type 1 (MEN1). Also called: MEN I; WERMER SYNDROME; MEA I; Endocrine adenomatosis multiple; MEN 1. Identifiers: Orphanet 652, MedGen C0025267, MeSH D018761, MONDO:0007540, OMIM 131100.

Submission:

Women's Health and Genetics/Laboratory Corporation of America, LabCorp
Classification: Pathogenic for Multiple endocrine neoplasia, type 1. Last evaluated: 2025-11-10. Review status: criteria provided, single submitter. Criteria: LabCorp Variant Classification Summary - May 2015. Collection method: clinical testing. Allele origin: germline.
Comment: Variant summary: MEN1 c.1006G>T (p.Glu336X) results in a premature termination codon, predicted to cause a truncation of the encoded protein or absence of the protein due to nonsense mediated decay, which are commonly known mechanisms for disease. The variant was absent in 251470 control chromosomes. To our knowledge, no occurrence of c.1006G>T in individuals affected with MEN1-related conditions and no experimental evidence demonstrating its impact on protein function have been reported. No submitters have cited clinical-significance assessments for this variant to ClinVar. Based on the evidence outlined above, the variant was classified as pathogenic.

Literature cited by the submitters: PubMed 29615459; PubMed 28186096.

NM_001370259.2(MEN1):c.1006G>T (p.Glu336Ter)

Gene: MEN1 (menin 1; minus strand). Cytogenetic location: 11q13.1.
Variant type: single nucleotide variant.
Coding change: c.1006G>T on transcript NM_001370259.2 (MANE Select); coding-DNA position 1006, G replaced by T.
Protein change: p.Glu336Ter; replaces glutamic acid 336 with a stop codon.
Molecular consequence: nonsense. On other transcripts: non-coding transcript variant (4).
Genome position (GRCh38, 1-based): chr11:64,806,275, C>A on the plus strand (G>T on the coding strand, the complement: MEN1 is on the minus strand). VCF-style: chr11-64806275-C-A. GRCh37 (hg19) VCF-style: chr11-64573747-C-A.
Other names: c.1021G>T, p.Glu341Ter (NM_000244.4, NM_001407145.1, NM_001407150.1 and 5 more transcripts); c.1006G>T, p.Glu336Ter (NM_001370251.2, NM_001370260.2, NM_001370261.2 and 7 more transcripts); c.901G>T, p.Glu301Ter (NM_001370262.2, NM_001370263.2, NM_001407148.1 and 2 more transcripts); short protein forms E301*, E336*, E341*.
Identifiers: ClinVar variation 4536891 (VCV004536891.1).
Genomic context (GRCh38, chr11:64,806,275, plus strand): 5'-AGTAGGGGGATCCTCACTCCTGGATGACAGTGGCCGTGTCCGCCCAGGCCTGCAGGGCTT[C>A]CCGCACATTGCGGTTGCGACAGTGGTAGCCAGCCAGGTACATGTAGGGGTAGATGTGTTC-3'